The following is an entry in ClinVar:

ClinVar aggregate classification (germline): Pathogenic (1 of 4 stars; one submission).

Conditions:
Aortic aneurysm, familial thoracic 4 (AAT4). Also called: AORTIC ANEURYSM/AORTIC DISSECTION AND PATENT DUCTUS ARTERIOSUS. Identifiers: MedGen C1851504, MONDO:0007568, OMIM 132900.

Submission:

Labcorp Genetics (formerly Invitae), Labcorp
Classification: Pathogenic for Aortic aneurysm, familial thoracic 4. Last evaluated: 2025-07-15. Review status: criteria provided, single submitter. Criteria: Invitae Variant Classification Sherloc (09022015). Collection method: clinical testing. Allele origin: germline.
Comment: This sequence change creates a premature translational stop signal (p.Tyr1474*) in the MYH11 gene. It is expected to result in an absent or disrupted protein product. Loss-of-function variants in MYH11 are known to be pathogenic (PMID: 25407000, 29575632). This variant is not present in population databases (gnomAD no frequency). This variant has not been reported in the literature in individuals affected with MYH11-related conditions. ClinVar contains an entry for this variant (Variation ID: 201075). Algorithms developed to predict the effect of sequence changes on RNA splicing suggest that this variant may disrupt the consensus splice site. For these reasons, this variant has been classified as Pathogenic.

Literature cited by the submitters: PubMed 25407000; PubMed 29575632.

NM_002474.3(MYH11):c.4401C>G (p.Tyr1467Ter)

Genes: NDE1 (nudE neurodevelopment protein 1; plus strand), MYH11 (myosin heavy chain 11; minus strand). Cytogenetic location: 16p13.11.
Variant type: single nucleotide variant.
Coding change: c.4401C>G on transcript NM_002474.3 (MANE Select); coding-DNA position 4401, C replaced by G.
Protein change: p.Tyr1467Ter; replaces tyrosine 1467 with a stop codon.
Molecular consequence: nonsense. On other transcripts: intron variant (2).
Genome position (GRCh38, 1-based): chr16:15,721,599, G>C on the plus strand (C>G on the coding strand, the complement: MYH11 is on the minus strand). VCF-style: chr16-15721599-G-C. GRCh37 (hg19) VCF-style: chr16-15815456-G-C.
Other names: c.4422C>G, p.Tyr1474Ter (NM_001040113.2, NM_001040114.2); c.4401C>G, p.Tyr1467Ter (NM_022844.3); c.948-2592G>C (NM_001143979.2, NM_017668.3); short protein forms Y1467*, Y1474*.
Identifiers: ClinVar variation 201075 (VCV000201075.7), dbSNP rs8046180, ClinGen allele CA306568.